The following is an entry in ClinVar:

ClinVar aggregate classification (germline): Uncertain significance (1 of 4 stars; one submission).

Submission:

GeneDx
Classification: Uncertain significance. Last evaluated: 2023-10-05. Review status: criteria provided, single submitter. Criteria: GeneDx Variant Classification Process June 2021. Collection method: clinical testing. Allele origin: germline. Affected: yes.
Comment: Has not been previously published as pathogenic or benign to our knowledge; Not observed at significant frequency in large population cohorts (gnomAD); In silico analysis supports that this missense variant has a deleterious effect on protein structure/function

NM_001429.4(EP300):c.3204G>C (p.Gln1068His)

Gene: EP300 (E1A binding protein p300; plus strand). Cytogenetic location: 22q13.2.
Variant type: single nucleotide variant.
Coding change: c.3204G>C on transcript NM_001429.4 (MANE Select); coding-DNA position 3204, G replaced by C.
Protein change: p.Gln1068His; replaces glutamine 1068 with histidine.
Molecular consequence: missense variant.
Genome position (GRCh38, 1-based): chr22:41,155,056, G>C. VCF-style: chr22-41155056-G-C. GRCh37 (hg19) VCF-style: chr22-41551060-G-C.
Other names: c.3126G>C, p.Gln1042His (NM_001362843.2); short protein forms Q1042H, Q1068H.
Identifiers: ClinVar variation 3252914 (VCV003252914.1), dbSNP rs2059069260.